The following is an entry in ClinVar:

NM_080680.3(COL11A2):c.2542C>T (p.Gln848Ter)

Gene: COL11A2 (collagen type XI alpha 2 chain; minus strand). Cytogenetic location: 6p21.32.
Variant type: single nucleotide variant.
Coding change: c.2542C>T on transcript NM_080680.3 (MANE Select); coding-DNA position 2542, C replaced by T.
Protein change: p.Gln848Ter; replaces glutamine 848 with a stop codon.
Molecular consequence: nonsense.
Genome position (GRCh38, 1-based): chr6:33,173,914, G>A on the plus strand (C>T on the coding strand, the complement: COL11A2 is on the minus strand). VCF-style: chr6-33173914-G-A. GRCh37 (hg19) VCF-style: chr6-33141691-G-A.
Other names: c.2362C>T, p.Gln788Ter (NM_001424108.1); c.1696C>T, p.Gln566Ter (NM_001424109.1); c.1516C>T, p.Gln506Ter (NM_001424110.1, NM_001424111.1); c.496C>T, p.Gln166Ter (NM_001424112.1); c.2221C>T, p.Gln741Ter (NM_080679.3); c.2284C>T, p.Gln762Ter (NM_080681.3); c.2542C>T (NM_080680.2); short protein forms Q566*, Q848*, Q741*, Q762*, Q166*, Q506*, Q788*.
Identifiers: ClinVar variation 2780075 (VCV002780075.4), dbSNP rs1242624892, ClinGen allele CA363643123.

ClinVar aggregate classification (germline): Pathogenic. Review status: criteria provided, multiple submitters, no conflicts (2 of 4 stars). 2 submissions from 2 submitters: Pathogenic (2). Last evaluated 2026-04-15.

Allele frequency attached by ClinVar (database versions not stated): gnomAD exomes below 0.00001.
gnomAD v4.1: 7 of 1,614,038 alleles (0.00043%); highest among the groups gnomAD compares: Non-Finnish European, 0.00059%; no homozygotes.

Submissions (2):

GeneDx
Classification: Pathogenic. Last evaluated: 2026-04-15. Review status: criteria provided, single submitter. Criteria: GeneDx Variant Classification Process June 2021. Collection method: clinical testing. Allele origin: germline.
Comment: Nonsense variant predicted to result in protein truncation or nonsense mediated decay in a gene for which loss of function is a known mechanism of disease; Not observed at significant frequency in large population cohorts (gnomAD); This variant is associated with the following publications: (PMID: 34092239)

Labcorp Genetics (formerly Invitae), Labcorp
Classification: Pathogenic. Last evaluated: 2023-05-12. Review status: criteria provided, single submitter. Criteria: Invitae Variant Classification Sherloc (09022015). Collection method: clinical testing. Allele origin: germline.
Comment: For these reasons, this variant has been classified as Pathogenic. This premature translational stop signal has been observed in individual(s) with autosomal recessive COL11A2-related conditions (PMID: 34092239). This variant is present in population databases (no rsID available, gnomAD 0.0009%). This sequence change creates a premature translational stop signal (p.Gln848*) in the COL11A2 gene. It is expected to result in an absent or disrupted protein product. Loss-of-function variants in COL11A2 are known to be pathogenic (PMID: 10677296, 21204229).

Literature cited by the submitters: PubMed 34092239 (cited by Labcorp Genetics (formerly Invitae), Labcorp); PubMed 10677296 (cited by Labcorp Genetics (formerly Invitae), Labcorp); PubMed 21204229 (cited by Labcorp Genetics (formerly Invitae), Labcorp).